The following is an entry in ClinVar:

ClinVar aggregate classification (germline): Conflicting classifications of pathogenicity. Review status: criteria provided, conflicting classifications (1 of 4 stars). 2 submissions from 2 submitters: Uncertain significance (1); Likely benign (1). Last evaluated 2023-03-23.

Conditions:
Hereditary cancer-predisposing syndrome. Also called: Tumor predisposition; Hereditary Cancer Syndrome; Hereditary neoplastic syndrome; Neoplastic Syndromes, Hereditary. Identifiers: Orphanet 140162, MedGen C0027672, MeSH D009386, MONDO:0015356.
Hereditary breast ovarian cancer syndrome. Also called: Hereditary breast and ovarian cancer; Hereditary breast and/or ovarian cancer syndrome; BRCA1- and BRCA2-Associated Hereditary Breast and Ovarian Cancer; Hereditary breast and ovarian cancer syndrome; Hereditary breast and ovarian cancer syndrome (HBOC); Breast and ovarian cancer. Identifiers: Orphanet 145, MedGen C0677776, MeSH D061325, MONDO:0003582. Disease mechanism: loss of function.

Submissions (2):

University of Washington Department of Laboratory Medicine, University of Washington
Classification: Likely benign for Hereditary cancer-predisposing syndrome. Last evaluated: 2023-03-23. Review status: criteria provided, single submitter. Criteria: Dines et al. (Genet Med. 2020). Collection method: curation. Allele origin: germline.
Comment: Missense variant in a coldspot region where missense variants are very unlikely to be pathogenic (PMID:31911673).

BRCA2 exon 11 coldspot. Reclassification based on statistical prior probability.

Labcorp Genetics (formerly Invitae), Labcorp
Classification: Uncertain significance for Hereditary breast ovarian cancer syndrome. Last evaluated: 2016-10-05. Review status: criteria provided, single submitter. Criteria: Invitae Variant Classification Sherloc (09022015). Collection method: clinical testing. Allele origin: germline.
Comment: In summary, this variant is a novel missense change that is not predicted to affect protein function. There is no indication that it causes disease, but the available evidence is currently insufficient to prove that conclusively. Therefore, it has been classified as a Variant of Uncertain Significance. Algorithms developed to predict the effect of missense changes on protein structure and function output the following: (SIFT: "Tolerated"; PolyPhen-2: "Benign"; Align-GVGD: "Class C0"). The leucine amino acid residue is found in multiple mammalian species, suggesting that this missense change does not adversely affect protein function. These predictions have not been confirmed by published functional studies. This variant is not present in population databases (ExAC no frequency) and has not been reported in the literature in individuals with a BRCA2-related disease. This sequence change replaces serine with leucine at codon 2186 of the BRCA2 protein (p.Ser2186Leu). The serine residue is weakly conserved and there is a large physicochemical difference between serine and leucine.

NM_000059.4(BRCA2):c.6557C>T (p.Ser2186Leu)

Gene: BRCA2 (BRCA2 DNA repair associated; plus strand). Cytogenetic location: 13q13.1.
Variant type: single nucleotide variant.
Coding change: c.6557C>T on transcript NM_000059.4 (MANE Select); coding-DNA position 6557, C replaced by T.
Protein change: p.Ser2186Leu; replaces serine 2186 with leucine.
Molecular consequence: missense variant.
Genome position (GRCh38, 1-based): chr13:32,340,912, C>T. VCF-style: chr13-32340912-C-T. GRCh37 (hg19) VCF-style: chr13-32915049-C-T.
Other names: short protein forms S2186L.
Identifiers: ClinVar variation 409421 (VCV000409421.10), dbSNP rs397507867, ClinGen allele CA16614339.
Genomic context (GRCh38, chr13:32,340,912, plus strand): 5'-TATTAGGAACCAAAGTGTCACTTGTTGAGAACATTCATGTTTTGGGAAAAGAACAGGCTT[C>T]ACCTAAAAACGTAAAAATGGAAATTGGTAAAACTGAAACTTTTTCTGATGTTCCTGTGAA-3'
Protein context (NP_000050.3, residues 2176-2196): NIHVLGKEQA[Ser2186Leu]PKNVKMEIGK